The following is an entry in ClinVar:

ClinVar aggregate classification (germline): Uncertain significance (1 of 4 stars; one submission).

Conditions:
Walker-Warburg congenital muscular dystrophy. Also called: Muscular dystrophy-dystroglycanopathy, type A; Walker-Warburg syndrome. Identifiers: Orphanet 899, MedGen C0265221, MONDO:0000171.

gnomAD v4.1: 2 of 1,583,126 alleles (0.00013%); highest among the groups gnomAD compares: South Asian, 0.0023%; no homozygotes.

Submission:

Labcorp Genetics (formerly Invitae), Labcorp
Classification: Uncertain significance for Walker-Warburg congenital muscular dystrophy. Last evaluated: 2024-01-17. Review status: criteria provided, single submitter. Criteria: Invitae Variant Classification Sherloc (09022015). Collection method: clinical testing. Allele origin: germline.
Comment: This sequence change replaces arginine, which is basic and polar, with cysteine, which is neutral and slightly polar, at codon 327 of the FKRP protein (p.Arg327Cys). The frequency data for this variant in the population databases is considered unreliable, as metrics indicate poor data quality at this position in the gnomAD database. This variant has not been reported in the literature in individuals affected with FKRP-related conditions. ClinVar contains an entry for this variant (Variation ID: 2140857). Advanced modeling of protein sequence and biophysical properties (such as structural, functional, and spatial information, amino acid conservation, physicochemical variation, residue mobility, and thermodynamic stability) has been performed at Invitae for this missense variant, however the output from this modeling did not meet the statistical confidence thresholds required to predict the impact of this variant on FKRP protein function. In summary, the available evidence is currently insufficient to determine the role of this variant in disease. Therefore, it has been classified as a Variant of Uncertain Significance.

NM_024301.5(FKRP):c.979C>T (p.Arg327Cys)

Gene: FKRP (fukutin related protein; plus strand). Cytogenetic location: 19q13.32.
Variant type: single nucleotide variant.
Coding change: c.979C>T on transcript NM_024301.5 (MANE Select); coding-DNA position 979, C replaced by T.
Protein change: p.Arg327Cys; replaces arginine 327 with cysteine.
Molecular consequence: missense variant.
Genome position (GRCh38, 1-based): chr19:46,756,429, C>T. VCF-style: chr19-46756429-C-T. GRCh37 (hg19) VCF-style: chr19-47259686-C-T.
Other names: c.979C>T, p.Arg327Cys (NM_001039885.3); short protein forms R327C.
Identifiers: ClinVar variation 2140857 (VCV002140857.4), dbSNP rs867877678, ClinGen allele CA406496401.